The following is an entry in ClinVar:

ClinVar aggregate classification (germline): Likely pathogenic (1 of 4 stars; one submission).

Conditions:
Primary ciliary dyskinesia. Also called: Ciliary dyskinesia. Identifiers: Orphanet 244, MedGen C0008780, MONDO:0016575, HP:0012265.

Submission:

Labcorp Genetics (formerly Invitae), Labcorp
Classification: Likely pathogenic for Primary ciliary dyskinesia. Last evaluated: 2025-01-30. Review status: criteria provided, single submitter. Criteria: Invitae Variant Classification Sherloc (09022015). Collection method: clinical testing. Allele origin: germline.
Comment: This sequence change affects a donor splice site in intron 2 of the CCDC114 gene. It is expected to disrupt RNA splicing. Variants that disrupt the donor or acceptor splice site typically lead to a loss of protein function (PMID: 16199547), and loss-of-function variants in CCDC114 are known to be pathogenic (PMID: 23261302, 23261303). This variant is not present in population databases (gnomAD no frequency). Disruption of this splice site has been observed in individual(s) with clinical features of primary ciliary cyskinesia (internal data). Algorithms developed to predict the effect of sequence changes on RNA splicing suggest that this variant may disrupt the consensus splice site. In summary, the currently available evidence indicates that the variant is pathogenic, but additional data are needed to prove that conclusively. Therefore, this variant has been classified as Likely Pathogenic.

Literature cited by the submitters: PubMed 16199547; PubMed 23261302; PubMed 23261303.

NM_001364171.2(ODAD1):c.170+2T>C

Gene: ODAD1 (outer dynein arm docking complex subunit 1; minus strand). Cytogenetic location: 19q13.33.
Variant type: single nucleotide variant.
Coding change: c.170+2T>C on transcript NM_001364171.2 (MANE Select); the canonical splice donor site of the intron after coding-DNA position 170, T replaced by C.
Molecular consequence: splice donor variant.
Genome position (GRCh38, 1-based): chr19:48,318,711, A>G on the plus strand (T>C on the coding strand, the complement: ODAD1 is on the minus strand). VCF-style: chr19-48318711-A-G. GRCh37 (hg19) VCF-style: chr19-48821968-A-G.
Other names: c.59+2T>C (NM_144577.4).
Identifiers: ClinVar variation 4712070 (VCV004712070.1).